The following is an entry in ClinVar:

ClinVar aggregate classification (germline): Uncertain significance (1 of 4 stars; one submission).

Conditions:
Congenital myasthenic syndrome 2A. Also called: Myasthenic syndrome, congenital, 2a, slow-channel. Identifiers: Orphanet 590, MedGen C4225374, MONDO:0014581, OMIM 616313.

Allele frequency attached by ClinVar (database versions not stated): gnomAD exomes below 0.00001; ExAC 0.00001; ESP Exome Variant Server 0.00008.

Submission:

Labcorp Genetics (formerly Invitae), Labcorp
Classification: Uncertain significance for Congenital myasthenic syndrome 2A. Last evaluated: 2023-12-11. Review status: criteria provided, single submitter. Criteria: Invitae Variant Classification Sherloc (09022015). Collection method: clinical testing. Allele origin: germline.
Comment: This sequence change replaces leucine, which is neutral and non-polar, with valine, which is neutral and non-polar, at codon 400 of the CHRNB1 protein (p.Leu400Val). This variant is present in population databases (rs138345058, gnomAD 0.0009%). This variant has not been reported in the literature in individuals affected with CHRNB1-related conditions. Advanced modeling of protein sequence and biophysical properties (such as structural, functional, and spatial information, amino acid conservation, physicochemical variation, residue mobility, and thermodynamic stability) performed at Invitae indicates that this missense variant is not expected to disrupt CHRNB1 protein function with a negative predictive value of 80%. In summary, the available evidence is currently insufficient to determine the role of this variant in disease. Therefore, it has been classified as a Variant of Uncertain Significance.

NM_000747.3(CHRNB1):c.1198C>G (p.Leu400Val)

Gene: CHRNB1 (cholinergic receptor nicotinic beta 1 subunit; plus strand). Cytogenetic location: 17p13.1.
Variant type: single nucleotide variant.
Coding change: c.1198C>G on transcript NM_000747.3 (MANE Select); coding-DNA position 1198, C replaced by G.
Protein change: p.Leu400Val; replaces leucine 400 with valine.
Molecular consequence: missense variant.
Genome position (GRCh38, 1-based): chr17:7,455,437, C>G. VCF-style: chr17-7455437-C-G. GRCh37 (hg19) VCF-style: chr17-7358756-C-G.
Other names: short protein forms L400V.
Identifiers: ClinVar variation 2808776 (VCV002808776.3), dbSNP rs138345058, ClinGen allele CA8347993.